The following is an entry in ClinVar:

NM_005751.5(AKAP9):c.9830T>C (p.Ile3277Thr)

Gene: AKAP9 (A-kinase anchoring protein 9; plus strand). Cytogenetic location: 7q21.2.
Variant type: single nucleotide variant.
Coding change: c.9830T>C on transcript NM_005751.5 (MANE Select); coding-DNA position 9830, T replaced by C.
Protein change: p.Ile3277Thr; replaces isoleucine 3277 with threonine.
Molecular consequence: missense variant.
Genome position (GRCh38, 1-based): chr7:92,096,789, T>C. VCF-style: chr7-92096789-T-C. GRCh37 (hg19) VCF-style: chr7-91726103-T-C.
Other names: c.4475T>C, p.Ile1492Thr (NM_001379277.1); c.9806T>C, p.Ile3269Thr (NM_147185.3); short protein forms I3277T, I3269T, I1492T.
Identifiers: ClinVar variation 191396 (VCV000191396.31), dbSNP rs144021475, ClinGen allele CA236512.

ClinVar aggregate classification (germline): Conflicting classifications of pathogenicity. Review status: criteria provided, conflicting classifications (1 of 4 stars). 5 submissions from 5 submitters: Uncertain significance (2); Benign (1); Likely benign (2). Last evaluated 2025-11-18.

Conditions:
Cardiovascular phenotype. Identifiers: MedGen CN230736.
Long QT syndrome (LQTS). Identifiers: MedGen C0023976, MeSH D008133, MONDO:0002442. Disease mechanism: loss of function. Inheritance: Various modes of inheritance.

Allele frequency attached by ClinVar (database versions not stated): gnomAD 0.00003; ESP Exome Variant Server 0.00008; TOPMed 0.00009; 1000 Genomes Project 30x 0.00016.
gnomAD v4.1: 142 of 1,614,130 alleles (0.0088%); highest among the groups gnomAD compares: Non-Finnish European, 0.012%; no homozygotes.

Submissions (5):

Women's Health and Genetics/Laboratory Corporation of America, LabCorp
Classification: Likely benign. Last evaluated: 2025-11-18. Review status: criteria provided, single submitter. Criteria: LabCorp Variant Classification Summary - May 2015. Collection method: clinical testing. Allele origin: germline.
Comment: Variant summary: AKAP9 c.9830T>C (p.Ile3277Thr) results in a non-conservative amino acid change in the encoded protein sequence. Algorithms developed to predict the effect of missense changes on protein structure and function are either unavailable or do not agree on the potential impact of this missense change. The variant allele was found at a frequency of 0.00012 in 251208 control chromosomes, predominantly at a frequency of 0.00022 within the Non-Finnish European subpopulation in the gnomAD database. The observed variant frequency within Non-Finnish European control individuals in the gnomAD database exceeds the estimated maximal expected allele frequency for disease-causing variants in AKAP9. c.9830T>C has been observed in an individual affected with hypertrophic cardiomyopathy who survived a sudden cardiac arrest, and an individual affected with Long QT Syndrome, without strong evidence suggesting causality (Asatryan_2019, Giovani_2025). These reports do not provide unequivocal conclusions about association of the variant with disease. To our knowledge, no experimental evidence demonstrating an impact on protein function has been reported. The following publication(s) have been ascertained in the context of this evaluation (PMID: 30975432). ClinVar contains an entry for this variant (Variation ID: 191396). Based on the evidence outlined above, the variant was classified as likely benign.

Labcorp Genetics (formerly Invitae), Labcorp
Classification: Uncertain significance for Long QT syndrome. Last evaluated: 2025-06-12. Review status: criteria provided, single submitter. Criteria: Invitae Variant Classification Sherloc (09022015). Collection method: clinical testing. Allele origin: germline.
Comment: This sequence change replaces isoleucine, which is neutral and non-polar, with threonine, which is neutral and polar, at codon 3277 of the AKAP9 protein (p.Ile3277Thr). This variant is present in population databases (rs144021475, gnomAD 0.02%). This missense change has been observed in individual(s) with hypertrophic cardiomyopathy (PMID: 30975432). ClinVar contains an entry for this variant (Variation ID: 191396). An algorithm developed to predict the effect of missense changes on protein structure and function outputs the following: PolyPhen-2: "Benign". The threonine amino acid residue is found in multiple mammalian species, which suggests that this missense change does not adversely affect protein function. In summary, the available evidence is currently insufficient to determine the role of this variant in disease. Therefore, it has been classified as a Variant of Uncertain Significance.

Ambry Genetics
Classification: Benign for Cardiovascular phenotype. Last evaluated: 2024-07-03. Review status: criteria provided, single submitter. Criteria: Ambry Variant Classification Scheme 2023. Collection method: clinical testing. Allele origin: germline.

CeGaT Center for Human Genetics Tuebingen
Classification: Likely benign. Last evaluated: 2024-01-01. Review status: criteria provided, single submitter. Criteria: CeGaT Center For Human Genetics Tuebingen Variant Classification Criteria Version 2. Collection method: clinical testing. Allele origin: germline. Affected: yes. Observed: 1 variant allele.
Comment: AKAP9: BP4, BS2

Biesecker Lab/Clinical Genomics Section, National Institutes of Health
Classification: Uncertain significance. Last evaluated: 2013-06-24. Review status: criteria provided, single submitter. Criteria: Ng et al. (Circ Cardiovasc Genet. 2013). Collection method: research. Allele origin: unknown. Observed: 1 variant allele. Study: ClinSeq.
Comment: The study set was not selected for affection status in relation to any cancer. Pathogenicity categories were based on literature curation. See Pubmed ID:23861362 for details.

Medical sequencing

Literature cited by the submitters: PubMed 30975432 (cited by Women's Health and Genetics/Laboratory Corporation of America, LabCorp and Labcorp Genetics (formerly Invitae), Labcorp); PubMed 23861362 (cited by Ambry Genetics).